The following is an entry in ClinVar:

NM_000939.4(POMC):c.239G>T (p.Gly80Val)

Gene: POMC (proopiomelanocortin; minus strand). Cytogenetic location: 2p23.3.
Variant type: single nucleotide variant.
Coding change: c.239G>T on transcript NM_000939.4 (MANE Select); coding-DNA position 239, G replaced by T.
Protein change: p.Gly80Val; replaces glycine 80 with valine.
Molecular consequence: missense variant.
Genome position (GRCh38, 1-based): chr2:25,161,646, C>A on the plus strand (G>T on the coding strand, the complement: POMC is on the minus strand). VCF-style: chr2-25161646-C-A. GRCh37 (hg19) VCF-style: chr2-25384515-C-A.
Other names: c.239G>T, p.Gly80Val (NM_001035256.3, NM_001319204.2, NM_001319205.2); short protein forms G80V.
Identifiers: ClinVar variation 3347789 (VCV003347789.1).

ClinVar aggregate classification (germline): Uncertain significance (0 of 4 stars; one submission).

Conditions:
POMC-related disorder. Also called: POMC-related disorders; POMC-related condition.

Submission:

PreventionGenetics, part of Exact Sciences
Classification: Uncertain significance for POMC-related condition. Last evaluated: 2024-09-17. Review status: no assertion criteria provided. Collection method: clinical testing. Allele origin: germline.
Comment: The POMC c.239G>T variant is predicted to result in the amino acid substitution p.Gly80Val. To our knowledge, this variant has not been reported in the literature or in a large population database, indicating this variant is rare. At this time, the clinical significance of this variant is uncertain due to the absence of conclusive functional and genetic evidence.